The following is an entry in ClinVar:

ClinVar aggregate classification (germline): Benign/Likely benign. Review status: criteria provided, multiple submitters, no conflicts (2 of 4 stars). 2 submissions from 2 submitters: Benign (1); Likely benign (1). Last evaluated 2025-03-18.

Conditions:
Juvenile polyposis/hereditary hemorrhagic telangiectasia syndrome (JPHT). Also called: JP/HHT SYNDROME; JUVENILE POLYPOSIS WITH HEREDITARY HEMORRHAGIC TELANGIECTASIA; POLYPOSIS, GENERALIZED JUVENILE, WITH PULMONARY ARTERIOVENOUS MALFORMATION; TELANGIECTASIA, HEREDITARY HEMORRHAGIC, WITH JUVENILE POLYPOSIS COLI; Juvenile Polyposis Syndrome / Hereditary Hemorrhagic Telangiectasia (JPS/HHT). Identifiers: Orphanet 2929, MedGen C1832942, MONDO:0008278, OMIM 175050.
Juvenile polyposis syndrome (JPS). Identifiers: Orphanet 2929, MedGen C0345893, MONDO:0017380, OMIM 174900.

Submissions (2):

Myriad Genetics, Inc.
Classification: Benign for Juvenile polyposis/hereditary hemorrhagic telangiectasia syndrome. Last evaluated: 2025-03-18. Review status: criteria provided, single submitter. Criteria: Myriad Autosomal Dominant, Autosomal Recessive and X-Linked Classification Criteria (2023). Collection method: clinical testing. Allele origin: unknown.
Comment: This variant is considered benign. This variant is a silent/synonymous amino acid change and it is not expected to impact splicing.

Labcorp Genetics (formerly Invitae), Labcorp
Classification: Likely benign for Juvenile polyposis syndrome. Last evaluated: 2024-09-17. Review status: criteria provided, single submitter. Criteria: Invitae Variant Classification Sherloc (09022015). Collection method: clinical testing. Allele origin: germline.

NM_005359.6(SMAD4):c.127T>C (p.Leu43=)

Gene: SMAD4 (SMAD family member 4; plus strand). Cytogenetic location: 18q21.2.
Variant type: single nucleotide variant.
Coding change: c.127T>C on transcript NM_005359.6 (MANE Select); coding-DNA position 127, T replaced by C.
Protein change: p.Leu43=; no amino-acid change (leucine 43 retained).
Molecular consequence: synonymous variant. On other transcripts: non-coding transcript variant (2).
Genome position (GRCh38, 1-based): chr18:51,047,173, T>C. VCF-style: chr18-51047173-T-C. GRCh37 (hg19) VCF-style: chr18-48573543-T-C.
Other names: c.127T>C, p.Leu43= (NM_001407041.1, NM_001407042.1, NM_001407043.1).
Identifiers: ClinVar variation 3715127 (VCV003715127.3).